The following is an entry in ClinVar:

ClinVar aggregate classification (germline): Conflicting classifications of pathogenicity. Review status: criteria provided, conflicting classifications (1 of 4 stars). 8 submissions from 8 submitters: Uncertain significance (4); Likely benign (2). 2 of the submissions do not count toward it. Last evaluated 2025-07-29.

Conditions:
Inflammatory bowel disease 28. Also called: Inflammatory bowel disease 28, early onset, autosomal recessive. Identifiers: Orphanet 238569, MedGen C2751053, MONDO:0013153, OMIM 613148.
IL10RA-related disorder. Also called: IL10RA-related condition.

Allele frequency attached by ClinVar (database versions not stated): 1000 Genomes Project 0.00020; 1000 Genomes Project 30x 0.00031; gnomAD exomes 0.00049 and 0.00102; ExAC 0.00052; TOPMed 0.00055; gnomAD 0.00066 and 0.00069; ESP Exome Variant Server 0.00069.
gnomAD v4.1: 1,577 of 1,613,682 alleles (0.098%); highest among the groups gnomAD compares: Non-Finnish European, 0.13%; 3 homozygotes.

Submissions (8):

PreventionGenetics, part of Exact Sciences
Classification: Uncertain significance for IL10RA-related condition. Last evaluated: 2025-07-29. Review status: criteria provided, single submitter. Criteria: ACMG Guidelines, 2015. Collection method: clinical testing. Allele origin: germline.
Comment: The IL10RA c.1235G>A variant is predicted to result in the amino acid substitution p.Arg412Gln. This variant has been reported in the heterozygous state in an individual with familial Mediterranean fever (Bozgeyik et al. 2020. PubMed ID: 32199921). This variant is reported in 0.11% of alleles in individuals of European (Non-Finnish) descent in gnomAD. At this time, the clinical significance of this variant is uncertain due to the absence of conclusive functional and genetic evidence.

Blueprint Genetics
Classification: Likely benign. Last evaluated: 2024-10-17. Review status: criteria provided, single submitter. Criteria: ACMG Guidelines, 2015. Collection method: clinical testing. Allele origin: germline.

Labcorp Genetics (formerly Invitae), Labcorp
Classification: Uncertain significance for Inflammatory bowel disease 28. Last evaluated: 2022-10-17. Review status: criteria provided, single submitter. Criteria: Invitae Variant Classification Sherloc (09022015). Collection method: clinical testing. Allele origin: germline.
Comment: This sequence change replaces arginine, which is basic and polar, with glutamine, which is neutral and polar, at codon 412 of the IL10RA protein (p.Arg412Gln). This variant is present in population databases (rs117423374, gnomAD 0.1%), and has an allele count higher than expected for a pathogenic variant. This variant has not been reported in the literature in individuals affected with IL10RA-related conditions. ClinVar contains an entry for this variant (Variation ID: 538054). Advanced modeling of protein sequence and biophysical properties (such as structural, functional, and spatial information, amino acid conservation, physicochemical variation, residue mobility, and thermodynamic stability) performed at Invitae indicates that this missense variant is not expected to disrupt IL10RA protein function. In summary, the available evidence is currently insufficient to determine the role of this variant in disease. Therefore, it has been classified as a Variant of Uncertain Significance.

CeGaT Center for Human Genetics Tuebingen
Classification: Likely benign. Last evaluated: 2022-10-01. Review status: criteria provided, single submitter. Criteria: CeGaT Center For Human Genetics Tuebingen Variant Classification Criteria Version 2. Collection method: clinical testing. Allele origin: germline. Affected: yes. Observed: 3 variant alleles.
Comment: IL10RA: BP4

GeneDx
Classification: Uncertain significance. Last evaluated: 2019-05-20. Review status: criteria provided, single submitter. Criteria: GeneDx Variant Classification Process June 2021. Collection method: clinical testing. Allele origin: germline. Affected: yes.
Comment: In silico analysis, which includes protein predictors and evolutionary conservation, supports that this variant does not alter protein structure/function; Identified by exome sequencing of a cohort of individuals with very early onset inflammatory bowel disease; however additional clinical information, zygosity, and segregation information not provided (Kelsen et al., 2015); This variant is associated with the following publications: (PMID: 26193622, 32199921)

Illumina Laboratory Services, Illumina
Classification: Uncertain significance for Inflammatory bowel disease 28. Last evaluated: 2018-01-13. Review status: criteria provided, single submitter. Criteria: ICSL Variant Classification Criteria 13 December 2019. Collection method: clinical testing. Allele origin: germline.

Clinical Genetics DNA and cytogenetics Diagnostics Lab, Erasmus MC, Erasmus Medical Center
Classification: Likely benign. Review status: no assertion criteria provided. Collection method: clinical testing. Allele origin: germline. Affected: yes. Study: VKGL Data-share Consensus. Not counted in ClinVar's aggregate classification.

Genome Diagnostics Laboratory, University Medical Center Utrecht
Classification: Likely benign. Review status: no assertion criteria provided. Collection method: clinical testing. Allele origin: germline. Affected: yes. Study: VKGL Data-share Consensus. Not counted in ClinVar's aggregate classification.

NM_001558.4(IL10RA):c.1235G>A (p.Arg412Gln)

Gene: IL10RA (interleukin 10 receptor subunit alpha; plus strand). Cytogenetic location: 11q23.3.
Variant type: single nucleotide variant.
Coding change: c.1235G>A on transcript NM_001558.4 (MANE Select); coding-DNA position 1235, G replaced by A.
Protein change: p.Arg412Gln; replaces arginine 412 with glutamine.
Molecular consequence: missense variant. On other transcripts: non-coding transcript variant (1).
Genome position (GRCh38, 1-based): chr11:117,999,139, G>A. VCF-style: chr11-117999139-G-A. GRCh37 (hg19) VCF-style: chr11-117869854-G-A.
Other names: short protein forms R412Q.
Identifiers: ClinVar variation 538054 (VCV000538054.45), dbSNP rs117423374, ClinGen allele CA6299142.